The following is an entry in ClinVar:

ClinVar aggregate classification (germline): Pathogenic (1 of 4 stars; one submission).

Conditions:
Hereditary cancer-predisposing syndrome. Also called: Neoplastic Syndromes, Hereditary; Tumor predisposition; Hereditary neoplastic syndrome; Hereditary Cancer Syndrome. Identifiers: Orphanet 140162, MedGen C0027672, MeSH D009386, MONDO:0015356.
Cardiovascular phenotype. Identifiers: MedGen CN230736.

Submission:

Ambry Genetics
Classification: Pathogenic for Cardiovascular phenotype; Hereditary cancer-predisposing syndrome. Last evaluated: 2023-04-10. Review status: criteria provided, single submitter. Criteria: Ambry Variant Classification Scheme 2023. Collection method: clinical testing. Allele origin: germline.
Comment: The c.77delC variant, located in coding exon 1 of the LZTR1 gene, results from a deletion of one nucleotide at nucleotide position 77, causing a translational frameshift with a predicted alternate stop codon (p.P26Rfs*16). This alteration is expected to result in loss of function by premature protein truncation or nonsense-mediated mRNA decay. Loss-of-function variants in LZTR1 are related to an increased risk for schwannomas and autosomal recessive Noonan syndrome; however, such associations with autosomal dominant Noonan syndrome have not been observed (Piotrowski A et al. Nat Genet. 2014 Feb;46:182-7; Yamamoto GL et al. J Med Genet. 2015 Jun;52:413-21; Johnston JJ et al. Genet Med. 2018 10;20:1175-1185). Based on the supporting evidence, this variant is pathogenic for an increased risk of LZTR1-related schwannomatosis (SWN) and would be expected to cause autosomal recessive Noonan syndrome when present along with a second pathogenic or likely pathogenic variant on the other allele; however, the association of this alteration with autosomal dominant Noonan syndrome is unlikely.

NM_006767.4(LZTR1):c.77del (p.Pro26fs)

Genes: LZTR1 (leucine zipper like post translational regulator 1; plus strand), LOC130067016 (ATAC-STARR-seq lymphoblastoid silent region 13504; plus strand). Cytogenetic location: 22q11.21.
Variant type: Deletion.
Coding change: c.77del on transcript NM_006767.4 (MANE Select); coding-DNA position 77, one base deleted (C; older notation c.77delC).
Protein change: p.Pro26fs; shifts the reading frame from proline 26.
Molecular consequence: frameshift variant.
Genome position (GRCh38, 1-based): chr22:20,982,448, C deleted; the last of 4 consecutive C bases (chr22:20,982,445-20,982,448); deleting any one gives the same sequence. VCF-style (leftmost placement, unchanged base first): chr22-20982444-GC-G. GRCh37 (hg19) VCF-style: chr22-21336733-GC-G.
Other names: short protein forms P26fs.
Identifiers: ClinVar variation 3238340 (VCV003238340.1), dbSNP rs2518607763.